The following is an entry in ClinVar:

ClinVar aggregate classification (germline): Uncertain significance (1 of 4 stars; one submission).

Conditions:
Inborn genetic diseases. Identifiers: MedGen C0950123, MeSH D030342.

Submission:

Ambry Genetics
Classification: Uncertain significance for Inborn genetic diseases. Last evaluated: 2026-06-04. Review status: criteria provided, single submitter. Criteria: Ambry Variant Classification Scheme 2023. Collection method: clinical testing. Allele origin: germline.
Comment: The c.19C>T (p.R7W) alteration is located in exon 1 (coding exon 1) of the TNFRSF11A gene. This alteration results from a C to T substitution at nucleotide position 19, causing the arginine (R) at amino acid position 7 to be replaced by a tryptophan (W). Based on data from gnomAD, the T allele has an overall frequency of <0.001% (0/5954) total alleles studied. The highest observed frequency was <0.001% (/) of alleles. Based on insufficient or conflicting evidence, the clinical significance of this alteration remains unclear.

NM_003839.4(TNFRSF11A):c.19C>T (p.Arg7Trp)

Genes: TNFRSF11A (TNF receptor superfamily member 11a; plus strand), LOC130062628 (ATAC-STARR-seq lymphoblastoid silent region 9505; plus strand). Cytogenetic location: 18q21.33.
Variant type: single nucleotide variant.
Coding change: c.19C>T on transcript NM_003839.4 (MANE Select); coding-DNA position 19, C replaced by T.
Protein change: p.Arg7Trp; replaces arginine 7 with tryptophan.
Molecular consequence: missense variant.
Genome position (GRCh38, 1-based): chr18:62,325,371, C>T. VCF-style: chr18-62325371-C-T. GRCh37 (hg19) VCF-style: chr18-59992604-C-T.
Other names: c.19C>T, p.Arg7Trp (NM_001270949.2, NM_001270950.2, NM_001270951.2 and 1 more transcripts); short protein forms R7W.
Identifiers: ClinVar variation 4865775 (VCV004865775.1).